The following is an entry in ClinVar:

ClinVar aggregate classification (germline): Uncertain significance (1 of 4 stars; one submission).

Conditions:
Adams-Oliver syndrome 5 (AOS5). Identifiers: Orphanet 974, MedGen C4014970, MONDO:0014459, OMIM 616028.

Allele frequency attached by ClinVar (database versions not stated): TOPMed below 0.00001; gnomAD 0.00001.

Submission:

Labcorp Genetics (formerly Invitae), Labcorp
Classification: Uncertain significance for Adams-Oliver syndrome 5. Last evaluated: 2021-12-03. Review status: criteria provided, single submitter. Criteria: Invitae Variant Classification Sherloc (09022015). Collection method: clinical testing. Allele origin: germline.
Comment: In summary, the available evidence is currently insufficient to determine the role of this variant in disease. Therefore, it has been classified as a Variant of Uncertain Significance. Advanced modeling of protein sequence and biophysical properties (such as structural, functional, and spatial information, amino acid conservation, physicochemical variation, residue mobility, and thermodynamic stability) performed at Invitae indicates that this missense variant is not expected to disrupt NOTCH1 protein function. This variant has not been reported in the literature in individuals affected with NOTCH1-related conditions. This variant is not present in population databases (gnomAD no frequency). This sequence change replaces alanine, which is neutral and non-polar, with threonine, which is neutral and polar, at codon 2425 of the NOTCH1 protein (p.Ala2425Thr).

NM_017617.5(NOTCH1):c.7273G>A (p.Ala2425Thr)

Gene: NOTCH1 (notch receptor 1; minus strand). Cytogenetic location: 9q34.3.
Variant type: single nucleotide variant.
Coding change: c.7273G>A on transcript NM_017617.5 (MANE Select); coding-DNA position 7273, G replaced by A.
Protein change: p.Ala2425Thr; replaces alanine 2425 with threonine.
Molecular consequence: missense variant.
Genome position (GRCh38, 1-based): chr9:136,496,466, C>T on the plus strand (G>A on the coding strand, the complement: NOTCH1 is on the minus strand). VCF-style: chr9-136496466-C-T. GRCh37 (hg19) VCF-style: chr9-139390918-C-T.
Other names: short protein forms A2425T.
Identifiers: ClinVar variation 1407537 (VCV001407537.6), dbSNP rs1364332299, ClinGen allele CA375627339.